The following is an entry in ClinVar:

NM_024675.4(PALB2):c.1371A>G (p.Glu457=)

Gene: PALB2 (partner and localizer of BRCA2; minus strand). Cytogenetic location: 16p12.2.
Variant type: single nucleotide variant.
Coding change: c.1371A>G on transcript NM_024675.4 (MANE Select); coding-DNA position 1371, A replaced by G.
Protein change: p.Glu457=; no amino-acid change (glutamic acid 457 retained).
Molecular consequence: synonymous variant.
Genome position (GRCh38, 1-based): chr16:23,635,175, T>C on the plus strand (A>G on the coding strand, the complement: PALB2 is on the minus strand). VCF-style: chr16-23635175-T-C. GRCh37 (hg19) VCF-style: chr16-23646496-T-C.
Identifiers: ClinVar variation 921141 (VCV000921141.5), dbSNP rs1555461314, ClinGen allele CA494461497.

ClinVar aggregate classification (germline): Benign/Likely benign. Review status: criteria provided, multiple submitters, no conflicts (2 of 4 stars). 3 submissions from 3 submitters: Benign (1); Likely benign (2). Last evaluated 2025-01-13.

Conditions:
Hereditary cancer-predisposing syndrome. Also called: Neoplastic Syndromes, Hereditary; Tumor predisposition; Hereditary Cancer Syndrome; Hereditary neoplastic syndrome. Identifiers: Orphanet 140162, MedGen C0027672, MeSH D009386, MONDO:0015356.
Familial cancer of breast. Also called: BREAST CANCER, FAMILIAL; Hereditary breast cancer; hereditary breast carcinoma. Identifiers: Orphanet 227535, MedGen C0346153, MONDO:0016419, OMIM 114480. Disease mechanism: loss of function.

Allele frequency attached by ClinVar (database versions not stated): gnomAD exomes below 0.00001.
gnomAD v4.1: 1 of 1,614,210 alleles (0.000062%); highest among the groups gnomAD compares: Non-Finnish European, 0.000085%; no homozygotes.

Submissions (3):

Myriad Genetics, Inc.
Classification: Benign for Familial cancer of breast. Last evaluated: 2025-01-13. Review status: criteria provided, single submitter. Criteria: Myriad Autosomal Dominant, Autosomal Recessive and X-Linked Classification Criteria (2023). Collection method: clinical testing. Allele origin: unknown.
Comment: This variant is considered benign. This variant is a silent/synonymous amino acid change and it is not expected to impact splicing.

Labcorp Genetics (formerly Invitae), Labcorp
Classification: Likely benign for Familial cancer of breast. Last evaluated: 2024-04-24. Review status: criteria provided, single submitter. Criteria: Invitae Variant Classification Sherloc (09022015). Collection method: clinical testing. Allele origin: germline.

Color Diagnostics, LLC DBA Color Health
Classification: Likely benign for Hereditary cancer-predisposing syndrome. Last evaluated: 2018-11-26. Review status: criteria provided, single submitter. Criteria: ACMG Guidelines, 2015. Collection method: clinical testing. Allele origin: germline.